The following is an entry in ClinVar:

ClinVar aggregate classification (germline): Conflicting classifications of pathogenicity. Review status: criteria provided, conflicting classifications (1 of 4 stars). 5 submissions from 5 submitters: Uncertain significance (3); Likely benign (2). Last evaluated 2025-11-03.

Conditions:
Hereditary cancer-predisposing syndrome. Also called: Hereditary neoplastic syndrome; Hereditary Cancer Syndrome; Neoplastic Syndromes, Hereditary; Tumor predisposition. Identifiers: Orphanet 140162, MedGen C0027672, MeSH D009386, MONDO:0015356.
SMARCB1-related disorder. Also called: SMARCB1-related condition; SMARCB1-related disorders.
Rhabdoid tumor predisposition syndrome 1 (RTPS1). Also called: Familial Posterior Fossa Brain Tumor of Infancy. Identifiers: Orphanet 231108, Orphanet 69077, MedGen C1836327, MONDO:0012252, OMIM 609322.

Allele frequency attached by ClinVar (database versions not stated): gnomAD exomes below 0.00001 and 0.00004; TOPMed below 0.00001.
gnomAD v4.1: 54 of 1,613,898 alleles (0.0033%); highest among the groups gnomAD compares: Non-Finnish European, 0.0042%; no homozygotes.

Submissions (5):

PreventionGenetics, part of Exact Sciences
Classification: Likely benign for SMARCB1-related condition. Last evaluated: 2025-11-03. Review status: criteria provided, single submitter. Criteria: ACMG Guidelines, 2015. Collection method: clinical testing. Allele origin: germline.
Comment: This variant is classified as likely benign based on ACMG/AMP sequence variant interpretation guidelines (Richards et al. 2015 PMID: 25741868, with internal and published modifications).

Labcorp Genetics (formerly Invitae), Labcorp
Classification: Uncertain significance. Last evaluated: 2025-01-14. Review status: criteria provided, single submitter. Criteria: Invitae Variant Classification Sherloc (09022015). Collection method: clinical testing. Allele origin: germline.
Comment: This sequence change replaces valine, which is neutral and non-polar, with methionine, which is neutral and non-polar, at codon 57 of the SMARCB1 protein (p.Val57Met). This variant is present in population databases (no rsID available, gnomAD 0.0009%). This variant has not been reported in the literature in individuals affected with SMARCB1-related conditions. ClinVar contains an entry for this variant (Variation ID: 532973). An algorithm developed to predict the effect of missense changes on protein structure and function (PolyPhen-2) suggests that this variant¬†is likely to be tolerated. In summary, the available evidence is currently insufficient to determine the role of this variant in disease. Therefore, it has been classified as a Variant of Uncertain Significance.

Baylor Genetics
Classification: Uncertain significance for Rhabdoid tumor predisposition syndrome 1. Last evaluated: 2023-11-20. Review status: criteria provided, single submitter. Criteria: ACMG Guidelines, 2015. Collection method: clinical testing. Allele origin: unknown.

Blueprint Genetics
Classification: Uncertain significance. Last evaluated: 2022-09-02. Review status: criteria provided, single submitter. Criteria: ACMG Guidelines, 2015. Collection method: clinical testing. Allele origin: germline.

Ambry Genetics
Classification: Likely benign for Hereditary cancer-predisposing syndrome. Last evaluated: 2022-01-19. Review status: criteria provided, single submitter. Criteria: Ambry Variant Classification Scheme 2023. Collection method: clinical testing. Allele origin: germline.

NM_003073.5(SMARCB1):c.169G>A (p.Val57Met)

Gene: SMARCB1 (SWI/SNF related BAF chromatin remodeling complex subunit B1; plus strand). Cytogenetic location: 22q11.23.
Variant type: single nucleotide variant.
Coding change: c.169G>A on transcript NM_003073.5 (MANE Select); coding-DNA position 169, G replaced by A.
Protein change: p.Val57Met; replaces valine 57 with methionine.
Molecular consequence: missense variant.
Genome position (GRCh38, 1-based): chr22:23,791,831, G>A. VCF-style: chr22-23791831-G-A. GRCh37 (hg19) VCF-style: chr22-24134018-G-A.
Other names: c.169G>A (NM_003073.4, LRG_520t1); c.169G>A, p.Val57Met (NM_001007468.3, NM_001317946.2, NM_001362877.2); short protein forms V57M.
Identifiers: ClinVar variation 532973 (VCV000532973.18), dbSNP rs922052006, ClinGen allele CA322595527.
Genomic context (GRCh38, chr22:23,791,831, plus strand): 5'-CGTATGTTCCGAGGTTCTCTGTACAAGAGATACCCCTCACTCTGGAGGCGACTAGCCACT[G>A]TGGAAGAGAGGAAGAAAATAGTTGCATCGTCACATGGTAAAAAAACAAAACCTAACACTA-3'
Protein context (NP_003064.2, residues 47-67): YPSLWRRLAT[Val57Met]EERKKIVASS